The following is an entry in ClinVar:

NM_001081.4(CUBN):c.2731G>A (p.Val911Met)

Gene: CUBN (cubilin; minus strand). Cytogenetic location: 10p13.
Variant type: single nucleotide variant.
Coding change: c.2731G>A on transcript NM_001081.4 (MANE Select); coding-DNA position 2731, G replaced by A.
Protein change: p.Val911Met; replaces valine 911 with methionine.
Molecular consequence: missense variant.
Genome position (GRCh38, 1-based): chr10:17,068,665, C>T on the plus strand (G>A on the coding strand, the complement: CUBN is on the minus strand). VCF-style: chr10-17068665-C-T. GRCh37 (hg19) VCF-style: chr10-17110664-C-T.
Other names: short protein forms V911M.
Identifiers: ClinVar variation 4008269 (VCV004008269.2).

ClinVar aggregate classification (germline): Uncertain significance. Review status: criteria provided, multiple submitters, no conflicts (2 of 4 stars). 2 submissions from 2 submitters: Uncertain significance (2). Last evaluated 2025-11-06.

Conditions:
Inborn genetic diseases. Identifiers: MedGen C0950123, MeSH D030342.
Imerslund-Grasbeck syndrome. Also called: Imerslund-Gräsbeck syndrome; ENTEROCYTE COBALAMIN MALABSORPTION; ENTEROCYTE INTRINSIC FACTOR RECEPTOR, DEFECT OF; PERNICIOUS ANEMIA, JUVENILE, DUE TO SELECTIVE INTESTINAL MALABSORPTION OF VITAMIN B12, WITH PROTEINURIA; Megaloblastic anemia due to inborn errors of metabolism. Identifiers: Orphanet 35858, MedGen C4551825, MONDO:0009853.

gnomAD v4.1: 20 of 1,612,642 alleles (0.0012%); highest among the groups gnomAD compares: Admixed American, 0.01%; no homozygotes.

Submissions (2):

Labcorp Genetics (formerly Invitae), Labcorp
Classification: Uncertain significance for Imerslund-Grasbeck syndrome. Last evaluated: 2025-11-06. Review status: criteria provided, single submitter. Criteria: Invitae Variant Classification Sherloc (09022015). Collection method: clinical testing. Allele origin: germline.
Comment: This sequence change replaces valine, which is neutral and non-polar, with methionine, which is neutral and non-polar, at codon 911 of the CUBN protein (p.Val911Met). This variant is present in population databases (rs768821054, gnomAD 0.01%). This variant has not been reported in the literature in individuals affected with CUBN-related conditions. ClinVar contains an entry for this variant (Variation ID: 4008269). Invitae Evidence Modeling of protein sequence and biophysical properties (such as structural, functional, and spatial information, amino acid conservation, physicochemical variation, residue mobility, and thermodynamic stability) indicates that this missense variant is expected to disrupt CUBN protein function with a positive predictive value of 80%. In summary, the available evidence is currently insufficient to determine the role of this variant in disease. Therefore, it has been classified as a Variant of Uncertain Significance.

Ambry Genetics
Classification: Uncertain significance for Inborn genetic diseases. Last evaluated: 2025-04-03. Review status: criteria provided, single submitter. Criteria: Ambry Variant Classification Scheme 2023. Collection method: clinical testing. Allele origin: germline.